The following is an entry in ClinVar:

ClinVar aggregate classification (germline): Likely benign. Review status: criteria provided, multiple submitters, no conflicts (2 of 4 stars). 6 submissions from 6 submitters: Likely benign (6). Last evaluated 2025-06-29.

Conditions:
Marfan syndrome (MFS). Also called: Marfan syndrome type 1; Marfan's syndrome; FBN1-Related Marfan Syndrome; MARFAN SYNDROME, TYPE I; Marfan syndrome, classic. Identifiers: Orphanet 284963, Orphanet 558, MedGen C0024796, MONDO:0007947, OMIM 154700.
Familial thoracic aortic aneurysm and aortic dissection (TAAD). Also called: Thoracic aortic aneurysms and dissections. Identifiers: Orphanet 91387, MedGen C4707243, MONDO:0019625.

Allele frequency attached by ClinVar (database versions not stated): gnomAD exomes below 0.00001 and 0.00001; TOPMed below 0.00001; gnomAD 0.00001.
gnomAD v4.1: 8 of 1,613,328 alleles (0.0005%); highest among the groups gnomAD compares: Non-Finnish European, 0.00068%; no homozygotes.

Submissions (6):

Labcorp Genetics (formerly Invitae), Labcorp
Classification: Likely benign for Marfan syndrome; Familial thoracic aortic aneurysm and aortic dissection. Last evaluated: 2025-06-29. Review status: criteria provided, single submitter. Criteria: Invitae Variant Classification Sherloc (09022015). Collection method: clinical testing. Allele origin: germline.

CeGaT Center for Human Genetics Tuebingen
Classification: Likely benign. Last evaluated: 2024-04-01. Review status: criteria provided, single submitter. Criteria: CeGaT Center For Human Genetics Tuebingen Variant Classification Criteria Version 2. Collection method: clinical testing. Allele origin: germline. Affected: yes. Observed: 1 variant allele.
Comment: FBN1: BP4, BP7

All of Us Research Program, National Institutes of Health
Classification: Likely benign for Marfan syndrome. Last evaluated: 2023-10-23. Review status: criteria provided, single submitter. Criteria: ACMG Guidelines, 2015. Collection method: clinical testing. Allele origin: germline. Inheritance: Autosomal dominant inheritance. Observed: 2 variant alleles, 2 heterozygotes.
Comment: This study involves interpretation of variants in research participants for the purpose of population health screening. Participant phenotype was not available at the time of variant classification. Additional details can be found in publication PMID: 35346344, PMCID: PMC8962531

Women's Health and Genetics/Laboratory Corporation of America, LabCorp
Classification: Likely benign. Last evaluated: 2023-10-19. Review status: criteria provided, single submitter. Criteria: LabCorp Variant Classification Summary - May 2015. Collection method: clinical testing. Allele origin: germline.

Ambry Genetics
Classification: Likely benign for Familial thoracic aortic aneurysm and aortic dissection. Last evaluated: 2021-01-04. Review status: criteria provided, single submitter. Criteria: Ambry Variant Classification Scheme 2023. Collection method: clinical testing. Allele origin: germline.

Color Diagnostics, LLC DBA Color Health
Classification: Likely benign for Familial thoracic aortic aneurysm and aortic dissection. Last evaluated: 2019-06-01. Review status: criteria provided, single submitter. Criteria: ACMG Guidelines, 2015. Collection method: clinical testing. Allele origin: germline.

NM_000138.5(FBN1):c.6417T>C (p.His2139=)

Gene: FBN1 (fibrillin 1; minus strand). Cytogenetic location: 15q21.1.
Variant type: single nucleotide variant.
Coding change: c.6417T>C on transcript NM_000138.5 (MANE Select); coding-DNA position 6417, T replaced by C.
Protein change: p.His2139=; no amino-acid change (histidine 2139 retained).
Molecular consequence: synonymous variant.
Genome position (GRCh38, 1-based): chr15:48,437,040, A>G on the plus strand (T>C on the coding strand, the complement: FBN1 is on the minus strand). VCF-style: chr15-48437040-A-G. GRCh37 (hg19) VCF-style: chr15-48729237-A-G.
Identifiers: ClinVar variation 925671 (VCV000925671.34), dbSNP rs551162566, ClinGen allele CA269526205.